The following is an entry in ClinVar:

NM_001943.5(DSG2):c.690G>A (p.Glu230=)

Gene: DSG2 (desmoglein 2; plus strand). Cytogenetic location: 18q12.1.
Variant type: single nucleotide variant.
Coding change: c.690G>A on transcript NM_001943.5 (MANE Select); coding-DNA position 690, G replaced by A.
Protein change: p.Glu230=; no amino-acid change (glutamic acid 230 retained).
Molecular consequence: synonymous variant.
Genome position (GRCh38, 1-based): chr18:31,522,249, G>A. VCF-style: chr18-31522249-G-A. GRCh37 (hg19) VCF-style: chr18-29102212-G-A.
Identifiers: ClinVar variation 919571 (VCV000919571.9), dbSNP rs767433640, ClinGen allele CA049691.

ClinVar aggregate classification (germline): Uncertain significance. Review status: criteria provided, multiple submitters, no conflicts (2 of 4 stars). 3 submissions from 3 submitters: Uncertain significance (3). Last evaluated 2025-02-05.

Conditions:
Arrhythmogenic right ventricular cardiomyopathy (ARVD). Also called: Arrhythmogenic cardiomyopathy; Cardiomyopathy, ARVC; Arrhythmogenic right ventricular dysplasia; Arrhythmogenic Right Ventricular Cardiomyopathy (ARVC). Identifiers: Orphanet 247, MedGen C0349788, MeSH D019571, MONDO:0016587. Disease mechanism: loss of function. Inheritance: Various modes of inheritance.
Cardiomyopathy (CMYO). Also called: Cardiomyopathies. Identifiers: Orphanet 167848, MedGen C0878544, MONDO:0004994, HP:0001638. Inheritance: Various modes of inheritance.
Arrhythmogenic right ventricular dysplasia 10. Also called: Arrhythmogenic Right Ventricular Dysplasia/Cardiomyopathy10; ARRHYTHMOGENIC RIGHT VENTRICULAR DYSPLASIA, FAMILIAL, 10; Arrhythmogenic right ventricular dysplasia/cardiomyopathy, type 10. Identifiers: MedGen C1857777, MONDO:0012434, OMIM 610193.

Allele frequency attached by ClinVar (database versions not stated): gnomAD exomes 0.00001; ExAC 0.00002.
gnomAD v4.1: 9 of 1,612,648 alleles (0.00056%); highest among the groups gnomAD compares: South Asian, 0.0088%; no homozygotes.

Submissions (3):

Labcorp Genetics (formerly Invitae), Labcorp
Classification: Uncertain significance for Arrhythmogenic right ventricular dysplasia 10. Last evaluated: 2025-02-05. Review status: criteria provided, single submitter. Criteria: Invitae Variant Classification Sherloc (09022015). Collection method: clinical testing. Allele origin: germline.
Comment: This sequence change affects codon 230 of the DSG2 mRNA. It is a 'silent' change, meaning that it does not change the encoded amino acid sequence of the DSG2 protein. This variant also falls at the last nucleotide of exon 6, which is part of the consensus splice site for this exon. This variant is present in population databases (rs767433640, gnomAD 0.01%). This variant has not been reported in the literature in individuals affected with DSG2-related conditions. ClinVar contains an entry for this variant (Variation ID: 919571). Variants that disrupt the consensus splice site are a relatively common cause of aberrant splicing (PMID: 17576681, 9536098). Algorithms developed to predict the effect of sequence changes on RNA splicing suggest that this variant is not likely to affect RNA splicing. In summary, the available evidence is currently insufficient to determine the role of this variant in disease. Therefore, it has been classified as a Variant of Uncertain Significance.

All of Us Research Program, National Institutes of Health
Classification: Uncertain significance for Arrhythmogenic right ventricular cardiomyopathy. Last evaluated: 2023-11-20. Review status: criteria provided, single submitter. Criteria: ACMG Guidelines, 2015. Collection method: clinical testing. Allele origin: germline. Inheritance: Autosomal dominant inheritance. Observed: 1 variant allele, 1 heterozygote.
Comment: This synonymous variant does not change the amino acid sequence of the DSG2 protein. Splice site prediction tools and conservation analysis are inconclusive regarding the impact of this variant on RNA splicing. To our knowledge, functional studies have not been performed for this variant. This variant has not been reported in individuals affected with cardiovascular disorders in the literature. This variant has been identified in 3/249404 chromosomes in the general population by the Genome Aggregation Database (gnomAD). The available evidence is insufficient to determine the role of this variant in disease conclusively. Therefore, this variant is classified as a Variant of Uncertain Significance.

This study involves interpretation of variants in research participants for the purpose of population health screening. Participant phenotype was not available at the time of variant classification. Additional details can be found in publication PMID: 35346344, PMCID: PMC8962531

Color Diagnostics, LLC DBA Color Health
Classification: Uncertain significance for Cardiomyopathy. Last evaluated: 2023-11-01. Review status: criteria provided, single submitter. Criteria: ACMG Guidelines, 2015. Collection method: clinical testing. Allele origin: germline.
Comment: This synonymous variant does not change the encoded amino acid at codon 230 of the DSG2 protein, but it causes a G to A substitution at the last nucleotide of exon 6 of the DSG2 gene. Splice prediction tools are inconclusive regarding the impact of this variant on RNA splicing. This variant has not been reported in individuals affected with cardiovascular disorders in the literature. This variant has been identified in 3/249404 chromosomes in the general population by the Genome Aggregation Database (gnomAD). The available evidence is insufficient to determine the role of this variant in disease conclusively. Therefore, this variant is classified as a Variant of Uncertain Significance.

Literature cited by the submitters: PubMed 17576681 (cited by Labcorp Genetics (formerly Invitae), Labcorp); PubMed 9536098 (cited by Labcorp Genetics (formerly Invitae), Labcorp).